The following is an entry in ClinVar:

NM_000091.5(COL4A3):c.3997C>G (p.Pro1333Ala)

Genes: COL4A3 (collagen type IV alpha 3 chain; plus strand), MFF-DT (MFF divergent transcript; minus strand). Cytogenetic location: 2q36.3.
Variant type: single nucleotide variant.
Coding change: c.3997C>G on transcript NM_000091.5 (MANE Select); coding-DNA position 3997, C replaced by G.
Protein change: p.Pro1333Ala; replaces proline 1333 with alanine.
Molecular consequence: missense variant.
Genome position (GRCh38, 1-based): chr2:227,303,900, C>G. VCF-style: chr2-227303900-C-G. GRCh37 (hg19) VCF-style: chr2-228168616-C-G.
Other names: short protein forms P1333A.
Identifiers: ClinVar variation 3683035 (VCV003683035.2).
Genomic context (GRCh38, chr2:227,303,900, plus strand): 5'-TGTCTTTGTTTGTTTTTAGGAGAAAAGGGTAATCCTGGATTTCTAGGATCCATTGGACCT[C>G]CAGGACCAATTGGGCCAAAAGGACCACCTGGTAAATAAACGTCCTTACTATTGCTGTCAA-3'
Protein context (NP_000082.2, residues 1323-1343): NPGFLGSIGP[Pro1333Ala]GPIGPKGPPG

ClinVar aggregate classification (germline): Uncertain significance. Review status: criteria provided, multiple submitters, no conflicts (2 of 4 stars). 2 submissions from 2 submitters: Uncertain significance (2). Last evaluated 2025-04-25.

Conditions:
Inborn genetic diseases. Identifiers: MedGen C0950123, MeSH D030342.

Submissions (2):

Ambry Genetics
Classification: Uncertain significance for Inborn genetic diseases. Last evaluated: 2025-04-25. Review status: criteria provided, single submitter. Criteria: Ambry Variant Classification Scheme 2023. Collection method: clinical testing. Allele origin: germline.

Labcorp Genetics (formerly Invitae), Labcorp
Classification: Uncertain significance. Last evaluated: 2024-05-02. Review status: criteria provided, single submitter. Criteria: Invitae Variant Classification Sherloc (09022015). Collection method: clinical testing. Allele origin: germline.
Comment: This sequence change replaces proline, which is neutral and non-polar, with alanine, which is neutral and non-polar, at codon 1333 of the COL4A3 protein (p.Pro1333Ala). This variant is not present in population databases (gnomAD no frequency). This variant has not been reported in the literature in individuals affected with COL4A3-related conditions. Advanced modeling of protein sequence and biophysical properties (such as structural, functional, and spatial information, amino acid conservation, physicochemical variation, residue mobility, and thermodynamic stability) has been performed at Invitae for this missense variant, however the output from this modeling did not meet the statistical confidence thresholds required to predict the impact of this variant on COL4A3 protein function. In summary, the available evidence is currently insufficient to determine the role of this variant in disease. Therefore, it has been classified as a Variant of Uncertain Significance.